The following is an entry in ClinVar:

NM_000059.4(BRCA2):c.2969T>A (p.Met990Lys)

Gene: BRCA2 (BRCA2 DNA repair associated; plus strand). Cytogenetic location: 13q13.1.
Variant type: single nucleotide variant.
Coding change: c.2969T>A on transcript NM_000059.4 (MANE Select); coding-DNA position 2969, T replaced by A.
Protein change: p.Met990Lys; replaces methionine 990 with lysine.
Molecular consequence: missense variant.
Genome position (GRCh38, 1-based): chr13:32,337,324, T>A. VCF-style: chr13-32337324-T-A. GRCh37 (hg19) VCF-style: chr13-32911461-T-A.
Other names: short protein forms M990K.
Identifiers: ClinVar variation 232666 (VCV000232666.10), dbSNP rs876659910, ClinGen allele CA10579560.

ClinVar aggregate classification (germline): Conflicting classifications of pathogenicity. Review status: criteria provided, conflicting classifications (1 of 4 stars). 3 submissions from 3 submitters: Uncertain significance (1); Likely benign (2). Last evaluated 2023-03-23.

Conditions:
Hereditary cancer-predisposing syndrome. Also called: Neoplastic Syndromes, Hereditary; Tumor predisposition; Hereditary Cancer Syndrome; Hereditary neoplastic syndrome. Identifiers: Orphanet 140162, MedGen C0027672, MeSH D009386, MONDO:0015356.

Submissions (3):

University of Washington Department of Laboratory Medicine, University of Washington
Classification: Likely benign for Hereditary cancer-predisposing syndrome. Last evaluated: 2023-03-23. Review status: criteria provided, single submitter. Criteria: Dines et al. (Genet Med. 2020). Collection method: curation. Allele origin: germline.
Comment: Missense variant in a coldspot region where missense variants are very unlikely to be pathogenic (PMID:31911673).

BRCA2 exon 11 coldspot. Reclassification based on statistical prior probability.

GeneDx
Classification: Uncertain significance. Last evaluated: 2020-02-14. Review status: criteria provided, single submitter. Criteria: GeneDx Variant Classification Process June 2021. Collection method: clinical testing. Allele origin: germline. Affected: yes.
Comment: Has not been previously published as pathogenic or benign to our knowledge; Not observed in large population cohorts (Lek 2016); In silico analysis supports that this missense variant has a deleterious effect on protein structure/function; Also known as 3197T>A; This variant is associated with the following publications: (PMID: 31131967)

Ambry Genetics
Classification: Likely benign for Hereditary cancer-predisposing syndrome. Last evaluated: 2015-06-24. Review status: criteria provided, single submitter. Criteria: Ambry Variant Classification Scheme 2023. Collection method: clinical testing. Allele origin: germline.